The following is an entry in ClinVar:

NM_000548.5(TSC2):c.3680C>T (p.Pro1227Leu)

Gene: TSC2 (TSC complex subunit 2; plus strand). Cytogenetic location: 16p13.3.
Variant type: single nucleotide variant.
Coding change: c.3680C>T on transcript NM_000548.5 (MANE Select); coding-DNA position 3680, C replaced by T.
Protein change: p.Pro1227Leu; replaces proline 1227 with leucine.
Molecular consequence: missense variant.
Genome position (GRCh38, 1-based): chr16:2,081,664, C>T. VCF-style: chr16-2081664-C-T. GRCh37 (hg19) VCF-style: chr16-2131665-C-T.
Other names: c.3548C>T, p.Pro1183Leu (NM_001077183.3, NM_001370404.1); c.3680C>T, p.Pro1227Leu (NM_001114382.3); c.3440C>T, p.Pro1147Leu (NM_001318827.2); c.3404C>T, p.Pro1135Leu (NM_001318829.2); c.2948C>T, p.Pro983Leu (NM_001318831.2); c.3581C>T, p.Pro1194Leu (NM_001318832.2); c.3551C>T, p.Pro1184Leu (NM_001363528.2, NM_001370405.1, NM_021055.3); c.3680C>T (NM_000548.3); short protein forms P983L, P1147L, P1183L, P1184L, P1227L, P1135L, P1194L.
Identifiers: ClinVar variation 1417629 (VCV001417629.12), dbSNP rs2090157247, ClinGen allele CA394292321.

ClinVar aggregate classification (germline): Uncertain significance. Review status: criteria provided, multiple submitters, no conflicts (2 of 4 stars). 3 submissions from 3 submitters: Uncertain significance (3). Last evaluated 2026-07-07.

Conditions:
Hereditary cancer-predisposing syndrome. Also called: Hereditary Cancer Syndrome; Neoplastic Syndromes, Hereditary; Hereditary neoplastic syndrome; Tumor predisposition. Identifiers: Orphanet 140162, MedGen C0027672, MeSH D009386, MONDO:0015356.
Tuberous sclerosis 2 (TSC2). Identifiers: Orphanet 805, MedGen C1860707, MONDO:0013199, OMIM 613254.

Allele frequency attached by ClinVar (database versions not stated): TOPMed below 0.00001; gnomAD exomes below 0.00001.
gnomAD v4.1: 2 of 1,612,986 alleles (0.00012%); highest among the groups gnomAD compares: Non-Finnish European, 0.00017%; no homozygotes.

Submissions (3):

Ambry Genetics
Classification: Uncertain significance for Hereditary cancer-predisposing syndrome. Last evaluated: 2026-07-07. Review status: criteria provided, single submitter. Criteria: Ambry Variant Classification Scheme 2023. Collection method: clinical testing. Allele origin: germline.
Comment: The p.P1227L variant (also known as c.3680C>T), located in coding exon 30 of the TSC2 gene, results from a C to T substitution at nucleotide position 3680. The proline at codon 1227 is replaced by leucine, an amino acid with similar properties. This amino acid position is conserved. In addition, this alteration is predicted to be deleterious by in silico analysis. Based on the available evidence, the clinical significance of this variant remains unclear.

GeneDx
Classification: Uncertain significance. Last evaluated: 2024-10-04. Review status: criteria provided, single submitter. Criteria: GeneDx Variant Classification Process June 2021. Collection method: clinical testing. Allele origin: germline. Affected: yes.
Comment: Not observed at significant frequency in large population cohorts (gnomAD); In silico analysis supports that this missense variant has a deleterious effect on protein structure/function; Has not been previously published as pathogenic or benign to our knowledge

Labcorp Genetics (formerly Invitae), Labcorp
Classification: Uncertain significance for Tuberous sclerosis 2. Last evaluated: 2021-04-17. Review status: criteria provided, single submitter. Criteria: Invitae Variant Classification Sherloc (09022015). Collection method: clinical testing. Allele origin: germline.
Comment: In summary, the available evidence is currently insufficient to determine the role of this variant in disease. Therefore, it has been classified as a Variant of Uncertain Significance. Advanced modeling of protein sequence and biophysical properties (such as structural, functional, and spatial information, amino acid conservation, physicochemical variation, residue mobility, and thermodynamic stability) performed at Invitae indicates that this missense variant is expected to disrupt TSC2 protein function. This variant has not been reported in the literature in individuals with TSC2-related conditions. This variant is not present in population databases (ExAC no frequency). This sequence change replaces proline with leucine at codon 1227 of the TSC2 protein (p.Pro1227Leu). The proline residue is highly conserved and there is a moderate physicochemical difference between proline and leucine.